The following is an entry in ClinVar:

ClinVar aggregate classification (germline): Uncertain significance. Review status: criteria provided, multiple submitters, no conflicts (2 of 4 stars). 2 submissions from 2 submitters: Uncertain significance (2). Last evaluated 2024-09-23.

Conditions:
Tuberous sclerosis syndrome (TSC). Also called: Tuberous Sclerosis Complex; Tuberous sclerosis. Identifiers: Orphanet 805, MedGen C0041341, MONDO:0001734.
Tuberous sclerosis 2 (TSC2). Identifiers: Orphanet 805, MedGen C1860707, MONDO:0013199, OMIM 613254.

Submissions (2):

All of Us Research Program, National Institutes of Health
Classification: Uncertain significance for Tuberous sclerosis syndrome. Last evaluated: 2024-09-23. Review status: criteria provided, single submitter. Criteria: ACMG Guidelines, 2015. Collection method: clinical testing. Allele origin: germline. Inheritance: Autosomal dominant inheritance. Observed: 1 variant allele, 1 heterozygote.
Comment: This study involves interpretation of variants in research participants for the purpose of population health screening. Participant phenotype was not available at the time of variant classification. Additional details can be found in publication PMID: 35346344, PMCID: PMC8962531

Labcorp Genetics (formerly Invitae), Labcorp
Classification: Uncertain significance for Tuberous sclerosis 2. Last evaluated: 2024-03-07. Review status: criteria provided, single submitter. Criteria: Invitae Variant Classification Sherloc (09022015). Collection method: clinical testing. Allele origin: germline.
Comment: This sequence change replaces valine, which is neutral and non-polar, with leucine, which is neutral and non-polar, at codon 101 of the TSC2 protein (p.Val101Leu). This variant is not present in population databases (gnomAD no frequency). This variant has not been reported in the literature in individuals affected with TSC2-related conditions. ClinVar contains an entry for this variant (Variation ID: 664080). Advanced modeling of protein sequence and biophysical properties (such as structural, functional, and spatial information, amino acid conservation, physicochemical variation, residue mobility, and thermodynamic stability) performed at Invitae indicates that this missense variant is not expected to disrupt TSC2 protein function with a negative predictive value of 95%. In summary, the available evidence is currently insufficient to determine the role of this variant in disease. Therefore, it has been classified as a Variant of Uncertain Significance.

NM_000548.5(TSC2):c.301G>T (p.Val101Leu)

Gene: TSC2 (TSC complex subunit 2; plus strand). Cytogenetic location: 16p13.3.
Variant type: single nucleotide variant.
Coding change: c.301G>T on transcript NM_000548.5 (MANE Select); coding-DNA position 301, G replaced by T.
Protein change: p.Val101Leu; replaces valine 101 with leucine.
Molecular consequence: missense variant. On other transcripts: intron variant (2).
Genome position (GRCh38, 1-based): chr16:2,053,417, G>T. VCF-style: chr16-2053417-G-T. GRCh37 (hg19) VCF-style: chr16-2103418-G-T.
Other names: c.301G>T, p.Val101Leu (NM_001077183.3, NM_001114382.3, NM_001363528.2 and 3 more transcripts); c.154G>T, p.Val52Leu (NM_001318829.2); c.334G>T, p.Val112Leu (NM_001318832.2); c.226-879G>T (NM_001318827.2); c.-1-2779G>T (NM_001318831.2); short protein forms V101L, V52L, V112L.
Identifiers: ClinVar variation 664080 (VCV000664080.8), dbSNP rs878854089, ClinGen allele CA394305857.
Genomic context (GRCh38, chr16:2,053,417, plus strand): 5'-CTCTGGAAGGCGGTCGCGGATCTGTTGCAGCCGGAGCGGCCGCTGGAGGCCCGGCACGCG[G>T]TGCTGGCTCTGCTGAAGGCCATCGTGCAGGGGCAGGTAAGGCCCAGGGCGACGCTGGGAT-3'
Protein context (NP_000539.2, residues 91-111): PERPLEARHA[Val101Leu]LALLKAIVQG